The following is an entry in ClinVar:

ClinVar aggregate classification (germline): Uncertain significance (1 of 4 stars; one submission).

Conditions:
Severe combined immunodeficiency due to DNA-PKcs deficiency. Also called: IMMUNODEFICIENCY 26 WITH NEUROLOGIC ABNORMALITIES; Immunodeficiency 26 with or without neurologic abnormalities. Identifiers: Orphanet 317425, MedGen C4014833, MONDO:0014423, OMIM 615966.

Submission:

Labcorp Genetics (formerly Invitae), Labcorp
Classification: Uncertain significance for Severe combined immunodeficiency due to DNA-PKcs deficiency. Last evaluated: 2022-12-08. Review status: criteria provided, single submitter. Criteria: Invitae Variant Classification Sherloc (09022015). Collection method: clinical testing. Allele origin: germline.
Comment: Advanced modeling of protein sequence and biophysical properties (such as structural, functional, and spatial information, amino acid conservation, physicochemical variation, residue mobility, and thermodynamic stability) performed at Invitae indicates that this missense variant is not expected to disrupt PRKDC protein function. In summary, the available evidence is currently insufficient to determine the role of this variant in disease. Therefore, it has been classified as a Variant of Uncertain Significance. ClinVar contains an entry for this variant (Variation ID: 658001). This sequence change replaces alanine, which is neutral and non-polar, with threonine, which is neutral and polar, at codon 1786 of the PRKDC protein (p.Ala1786Thr). This variant is not present in population databases (gnomAD no frequency). This variant has not been reported in the literature in individuals affected with PRKDC-related conditions.

NM_006904.7(PRKDC):c.5356G>A (p.Ala1786Thr)

Gene: PRKDC (protein kinase, DNA-activated, catalytic subunit; minus strand). Cytogenetic location: 8q11.21.
Variant type: single nucleotide variant.
Coding change: c.5356G>A on transcript NM_006904.7 (MANE Select); coding-DNA position 5356, G replaced by A.
Protein change: p.Ala1786Thr; replaces alanine 1786 with threonine.
Molecular consequence: missense variant.
Genome position (GRCh38, 1-based): chr8:47,877,731, C>T on the plus strand (G>A on the coding strand, the complement: PRKDC is on the minus strand). VCF-style: chr8-47877731-C-T. GRCh37 (hg19) VCF-style: chr8-48790292-C-T.
Other names: c.5356G>A, p.Ala1786Thr (NM_001081640.2); short protein forms A1786T.
Identifiers: ClinVar variation 658001 (VCV000658001.7), dbSNP rs1589759729, ClinGen allele CA371137504.